The following is an entry in ClinVar:

ClinVar aggregate classification (germline): Uncertain significance (1 of 4 stars; one submission).

Conditions:
Juvenile polyposis/hereditary hemorrhagic telangiectasia syndrome (JPHT). Also called: Juvenile Polyposis Syndrome / Hereditary Hemorrhagic Telangiectasia (JPS/HHT); JP/HHT SYNDROME; JUVENILE POLYPOSIS WITH HEREDITARY HEMORRHAGIC TELANGIECTASIA; POLYPOSIS, GENERALIZED JUVENILE, WITH PULMONARY ARTERIOVENOUS MALFORMATION; TELANGIECTASIA, HEREDITARY HEMORRHAGIC, WITH JUVENILE POLYPOSIS COLI. Identifiers: Orphanet 2929, MedGen C1832942, MONDO:0008278, OMIM 175050.

Submission:

All of Us Research Program, National Institutes of Health
Classification: Uncertain significance for Juvenile polyposis/hereditary hemorrhagic telangiectasia syndrome. Last evaluated: 2023-04-03. Review status: criteria provided, single submitter. Criteria: ACMG Guidelines, 2015. Collection method: clinical testing. Allele origin: germline. Inheritance: Autosomal dominant inheritance. Observed: 1 variant allele, 1 heterozygote.
Comment: This missense variant replaces threonine with isoleucine at codon 277 of the SMAD4 protein. Computational prediction suggests that this variant may not impact protein structure and function (internally defined REVEL score threshold <= 0.5, PMID: 27666373). To our knowledge, functional studies have not been reported for this variant. This variant has not been reported in individuals affected with SMAD4-related disorders in the literature. This variant has not been identified in the general population by the Genome Aggregation Database (gnomAD). The available evidence is insufficient to determine the role of this variant in disease conclusively. Therefore, this variant is classified as a Variant of Uncertain Significance.

This study involves interpretation of variants in research participants for the purpose of population health screening. Participant phenotype was not available at the time of variant classification. Additional details can be found in publication PMID: 35346344, PMCID: PMC8962531

NM_005359.6(SMAD4):c.830C>T (p.Thr277Ile)

Gene: SMAD4 (SMAD family member 4; plus strand). Cytogenetic location: 18q21.2.
Variant type: single nucleotide variant.
Coding change: c.830C>T on transcript NM_005359.6 (MANE Select); coding-DNA position 830, C replaced by T.
Protein change: p.Thr277Ile; replaces threonine 277 with isoleucine.
Molecular consequence: missense variant. On other transcripts: non-coding transcript variant (2).
Genome position (GRCh38, 1-based): chr18:51,058,382, C>T. VCF-style: chr18-51058382-C-T. GRCh37 (hg19) VCF-style: chr18-48584752-C-T.
Other names: c.830C>T, p.Thr277Ile (NM_001407041.1, NM_001407042.1, NM_001407043.1); short protein forms T277I.
Identifiers: ClinVar variation 3070255 (VCV003070255.1), dbSNP rs2511377252, ClinGen allele CA402463425.
Genomic context (GRCh38, chr18:51,058,382, plus strand): 5'-GTGGGCCTTAATTTTTAGACAGCACTACCACCTGGACTGGAAGTAGGACTGCACCATACA[C>T]ACCTAATTTGCCTCACCACCAAAACGGCCATCTTCAGCACCACCCGCCTATGCCGCCCCA-3'
Protein context (NP_005350.1, residues 267-287): TWTGSRTAPY[Thr277Ile]PNLPHHQNGH